The following is an entry in ClinVar:

NM_001369.3(DNAH5):c.855_856insTATAAGAGACAGT (p.Glu286delinsTyrLysArgGlnTer)

Gene: DNAH5 (dynein axonemal heavy chain 5; minus strand). Cytogenetic location: 5p15.2.
Variant type: Insertion.
Coding change: c.855_856insTATAAGAGACAGT on transcript NM_001369.3 (MANE Select); coding-DNA positions 855 to 856, TATAAGAGACAGT inserted.
Protein change: p.Glu286delinsTyrLysArgGlnTer.
Molecular consequence: nonsense.
Genome position: GRCh38 VCF-style: chr5-13919295-C-CACTGTCTCTTATA. GRCh37 (hg19) VCF-style: chr5-13919404-C-CACTGTCTCTTATA.
Identifiers: ClinVar variation 5011601 (VCV005011601.1).

ClinVar aggregate classification (germline): Pathogenic (1 of 4 stars; one submission).

Conditions:
Primary ciliary dyskinesia 3. Identifiers: Orphanet 244, MedGen C1837618, MONDO:0012085, OMIM 608644.

Submission:

Myriad Genetics, Inc.
Classification: Pathogenic for Primary ciliary dyskinesia 3. Last evaluated: 2023-09-08. Review status: criteria provided, single submitter. Criteria: Myriad Autosomal Dominant, Autosomal Recessive and X-Linked Classification Criteria (2023). Collection method: clinical testing. Allele origin: unknown.
Comment: NM_001369.2(DNAH5):c.855_856ins13(E286Yfs*5) is expected to be pathogenic in the context of primary ciliary dyskinesia, DNAH5-related. This variant is predicted to lead to an abnormal or absent protein product due to the creation of a premature termination codon in DNAH5, a gene where loss-of-function variants are known to be pathogenic. Please note: this variant was assessed in the context of healthy population screening.